The following is an entry in ClinVar:

NM_018051.5(DYNC2I1):c.69G>T (p.Trp23Cys)

Gene: DYNC2I1 (dynein 2 intermediate chain 1; plus strand). Cytogenetic location: 7q36.3.
Variant type: single nucleotide variant.
Coding change: c.69G>T on transcript NM_018051.5 (MANE Select); coding-DNA position 69, G replaced by T.
Protein change: p.Trp23Cys; replaces tryptophan 23 with cysteine.
Molecular consequence: missense variant. On other transcripts: 5 prime UTR variant (5).
Genome position (GRCh38, 1-based): chr7:158,869,908, G>T. VCF-style: chr7-158869908-G-T. GRCh37 (hg19) VCF-style: chr7-158662599-G-T.
Other names: c.-70G>T (NM_001350914.2); c.-449G>T (NM_001350915.2); c.-1290G>T (NM_001350916.2); c.-1298G>T (NM_001350917.2); c.-1417G>T (NM_001350918.2); short protein forms W23C.
Identifiers: ClinVar variation 4727322 (VCV004727322.1).

ClinVar aggregate classification (germline): Uncertain significance (1 of 4 stars; one submission).

Conditions:
Short-rib thoracic dysplasia 8 with or without polydactyly (SRTD8). Also called: SHORT-RIB THORACIC DYSPLASIA 8 WITH POLYDACTYLY. Identifiers: Orphanet 93271, MedGen C3809691, MONDO:0014214, OMIM 615503.

Submission:

Labcorp Genetics (formerly Invitae), Labcorp
Classification: Uncertain significance for Short-rib thoracic dysplasia 8 with or without polydactyly. Last evaluated: 2025-10-14. Review status: criteria provided, single submitter. Criteria: Invitae Variant Classification Sherloc (09022015). Collection method: clinical testing. Allele origin: germline.
Comment: This sequence change replaces tryptophan, which is neutral and slightly polar, with cysteine, which is neutral and slightly polar, at codon 23 of the WDR60 protein (p.Trp23Cys). This variant also falls at the last nucleotide of exon 2, which is part of the consensus splice site for this exon. This variant is not present in population databases (gnomAD no frequency). This variant has not been reported in the literature in individuals affected with WDR60-related conditions. An algorithm developed to predict the effect of missense changes on protein structure and function (PolyPhen-2) suggests that this variant is likely to be tolerated. Variants that disrupt the consensus splice site are a relatively common cause of aberrant splicing (PMID: 17576681, 9536098). Algorithms developed to predict the effect of sequence changes on RNA splicing suggest that this variant may disrupt the consensus splice site. In summary, the available evidence is currently insufficient to determine the role of this variant in disease. Therefore, it has been classified as a Variant of Uncertain Significance.

Literature cited by the submitters: PubMed 17576681; PubMed 9536098.